The following is an entry in ClinVar:

NM_005138.3(SCO2):c.611G>A (p.Ser204Asn)

Genes: SCO2 (synthesis of cytochrome C oxidase 2; minus strand), NCAPH2 (non-SMC condensin II complex subunit H2; plus strand). Cytogenetic location: 22q13.33.
Variant type: single nucleotide variant.
Coding change: c.611G>A on transcript NM_005138.3 (MANE Select); coding-DNA position 611, G replaced by A.
Protein change: p.Ser204Asn; replaces serine 204 with asparagine.
Molecular consequence: missense variant. On other transcripts: 3 prime UTR variant (2).
Genome position (GRCh38, 1-based): chr22:50,523,801, C>T on the plus strand (G>A on the coding strand, the complement: SCO2 is on the minus strand). VCF-style: chr22-50523801-C-T. GRCh37 (hg19) VCF-style: chr22-50962230-C-T.
Other names: p.Ser204Asn; c.*426C>T (NM_001185011.2, NM_152299.4); c.611G>A, p.Ser204Asn (NM_001169109.2, NM_001169110.1, NM_001169111.2); c.611G>A (NM_005138.2); short protein forms S204N.
Identifiers: ClinVar variation 2051336 (VCV002051336.3), dbSNP rs199644111, ClinGen allele CA10321159.

ClinVar aggregate classification (germline): Uncertain significance. Review status: criteria provided, multiple submitters, no conflicts (2 of 4 stars). 2 submissions from 2 submitters: Uncertain significance (2). Last evaluated 2025-06-10.

Allele frequency attached by ClinVar (database versions not stated): gnomAD exomes 0.00001; ExAC 0.00006; TOPMed 0.00013; gnomAD 0.00017; 1000 Genomes Project 30x 0.00031; 1000 Genomes Project 0.00040; ESP Exome Variant Server 0.00023.
gnomAD v4.1: 50 of 1,614,140 alleles (0.0031%); highest among the groups gnomAD compares: African/African-American, 0.055%; 1 homozygote.

Submissions (2):

Mayo Clinic Laboratories, Mayo Clinic
Classification: Uncertain significance. Last evaluated: 2025-06-10. Review status: criteria provided, single submitter. Criteria: ACMG Guidelines, 2015. Collection method: clinical testing. Allele origin: germline. Observed: 1 variant allele.
Comment: BP4_moderate

Labcorp Genetics (formerly Invitae), Labcorp
Classification: Uncertain significance. Last evaluated: 2024-10-26. Review status: criteria provided, single submitter. Criteria: Invitae Variant Classification Sherloc (09022015). Collection method: clinical testing. Allele origin: germline.
Comment: This sequence change replaces serine, which is neutral and polar, with asparagine, which is neutral and polar, at codon 204 of the SCO2 protein (p.Ser204Asn). This variant is present in population databases (rs199644111, gnomAD 0.05%). This variant has not been reported in the literature in individuals affected with SCO2-related conditions. ClinVar contains an entry for this variant (Variation ID: 2051336). Invitae Evidence Modeling of protein sequence and biophysical properties (such as structural, functional, and spatial information, amino acid conservation, physicochemical variation, residue mobility, and thermodynamic stability) indicates that this missense variant is not expected to disrupt SCO2 protein function with a negative predictive value of 80%. In summary, the available evidence is currently insufficient to determine the role of this variant in disease. Therefore, it has been classified as a Variant of Uncertain Significance.